The following is an entry in ClinVar:

ClinVar aggregate classification (germline): Uncertain significance (1 of 4 stars; one submission).

Conditions:
Hyperphosphatasia with impaired intellectual development syndrome 2. Also called: Hyperphosphatasia with intellectual disability syndrome 2; GLYCOSYLPHOSPHATIDYLINOSITOL BIOSYNTHESIS DEFECT 6. Identifiers: Orphanet 247262, MedGen C3553637, MONDO:0013882, OMIM 614749.

gnomAD v4.1: 3 of 1,612,520 alleles (0.00019%); highest among the groups gnomAD compares: Middle Eastern, 0.016%; no homozygotes.

Submission:

Labcorp Genetics (formerly Invitae), Labcorp
Classification: Uncertain significance for Hyperphosphatasia with impaired intellectual development syndrome 2. Last evaluated: 2020-01-22. Review status: criteria provided, single submitter. Criteria: Invitae Variant Classification Sherloc (09022015). Collection method: clinical testing. Allele origin: germline.
Comment: This sequence change replaces arginine with glycine at codon 733 of the PIGO protein (p.Arg733Gly). The arginine residue is moderately conserved and there is a moderate physicochemical difference between arginine and glycine. In summary, the available evidence is currently insufficient to determine the role of this variant in disease. Therefore, it has been classified as a Variant of Uncertain Significance. Algorithms developed to predict the effect of missense changes on protein structure and function (SIFT, PolyPhen-2, Align-GVGD) all suggest that this variant is likely to be tolerated, but these predictions have not been confirmed by published functional studies and their clinical significance is uncertain. This variant has not been reported in the literature in individuals with PIGO-related disease. This variant is not present in population databases (ExAC no frequency).

NM_032634.4(PIGO):c.2197C>G (p.Arg733Gly)

Gene: PIGO (phosphatidylinositol glycan anchor biosynthesis class O; minus strand). Cytogenetic location: 9p13.3.
Variant type: single nucleotide variant.
Coding change: c.2197C>G on transcript NM_032634.4 (MANE Select); coding-DNA position 2197, C replaced by G.
Protein change: p.Arg733Gly; replaces arginine 733 with glycine.
Molecular consequence: missense variant. On other transcripts: intron variant (2).
Genome position (GRCh38, 1-based): chr9:35,091,690, G>C on the plus strand (C>G on the coding strand, the complement: PIGO is on the minus strand). VCF-style: chr9-35091690-G-C. GRCh37 (hg19) VCF-style: chr9-35091687-G-C.
Other names: c.1345-399C>G (NM_152850.4, NM_001201484.2); short protein forms R733G.
Identifiers: ClinVar variation 540445 (VCV000540445.8), dbSNP rs748093757, ClinGen allele CA373320592.